The following is an entry in ClinVar:

NM_182746.3(MCM4):c.2250del (p.Asn751fs)

Gene: MCM4 (minichromosome maintenance complex component 4; plus strand). Cytogenetic location: 8q11.21.
Variant type: Deletion.
Coding change: c.2250del on transcript NM_182746.3 (MANE Select); coding-DNA position 2250, one base deleted (T; older notation c.2250delT).
Protein change: p.Asn751fs; shifts the reading frame from asparagine 751.
Molecular consequence: frameshift variant.
Genome position (GRCh38, 1-based): chr8:47,974,847, T deleted. VCF-style (leftmost placement, unchanged base first): chr8-47974846-CT-C. GRCh37 (hg19) VCF-style: chr8-48887406-CT-C.
Other names: c.2250del, p.Asn751fs (NM_005914.4); short protein forms N751fs.
Identifiers: ClinVar variation 1952176 (VCV001952176.5), dbSNP rs2551885263, ClinGen allele CA2580078369.

ClinVar aggregate classification (germline): Uncertain significance (1 of 4 stars; one submission).

Submission:

Labcorp Genetics (formerly Invitae), Labcorp
Classification: Uncertain significance. Last evaluated: 2022-04-13. Review status: criteria provided, single submitter. Criteria: Invitae Variant Classification Sherloc (09022015). Collection method: clinical testing. Allele origin: germline.
Comment: In summary, the available evidence is currently insufficient to determine the role of this variant in disease. Therefore, it has been classified as a Variant of Uncertain Significance. This variant has not been reported in the literature in individuals affected with MCM4-related conditions. This variant is not present in population databases (gnomAD no frequency). This sequence change creates a premature translational stop signal (p.Asn751Thrfs*19) in the MCM4 gene. It is expected to result in an absent or disrupted protein product. However, the current clinical and genetic evidence is not sufficient to establish whether loss-of-function variants in MCM4 cause disease.